The following is an entry in ClinVar:

ClinVar aggregate classification (germline): Pathogenic (1 of 4 stars; one submission).

Conditions:
Renal tubular acidosis with progressive nerve deafness. Also called: RENAL TUBULAR ACIDOSIS, AUTOSOMAL RECESSIVE, WITH PROGRESSIVE NERVE DEAFNESS; RTA WITH PROGRESSIVE NERVE DEAFNESS; Distal Renal Tubular Acidosis with Progressive Sensorineural Deafness; renal tubular acidosis, distal, 2, with progressive sensorineural hearing loss. Identifiers: MedGen C0403554, MONDO:0009968, OMIM 267300.

Submission:

Myriad Genetics, Inc.
Classification: Pathogenic for Renal tubular acidosis with progressive nerve deafness. Last evaluated: 2024-05-14. Review status: criteria provided, single submitter. Criteria: Myriad Autosomal Dominant, Autosomal Recessive and X-Linked Classification Criteria (2023). Collection method: clinical testing. Allele origin: unknown.
Comment: NM_001692.3(ATP6V1B1):c.905delGinsAGA(R302Qfs*62) is expected to be pathogenic in the context of distal renal tubular acidosis with deafness, ATP6V1B1-related. This variant is predicted to lead to an abnormal or absent protein product due to the creation of a premature termination codon in ATP6V1B1, a gene where loss-of-function variants are known to be pathogenic. Please note: this variant was assessed in the context of healthy population screening.

NM_001692.4(ATP6V1B1):c.905delinsAGA (p.Arg302fs)

Gene: ATP6V1B1 (ATPase H+ transporting V1 subunit B1; plus strand). Cytogenetic location: 2p13.3.
Variant type: Indel.
Coding change: c.905delinsAGA on transcript NM_001692.4 (MANE Select); coding-DNA position 905, G replaced by AGA.
Protein change: p.Arg302fs; shifts the reading frame from arginine 302.
Molecular consequence: frameshift variant.
Genome position (GRCh38, 1-based): chr2:70,962,896, G replaced by AGA. VCF-style: chr2-70962896-G-AGA. GRCh37 (hg19) VCF-style: chr2-71190026-G-AGA.
Other names: short protein forms R302fs.
Identifiers: ClinVar variation 5011084 (VCV005011084.1).